The following is an entry in ClinVar:

ClinVar aggregate classification (germline): Pathogenic (1 of 4 stars; one submission).

Conditions:
POLG-related disorder. Also called: POLG-related condition; POLG-Related Disorders; POLG-Related Spectrum Disorders. Identifiers: MedGen C4763519.

Submission:

Myriad Genetics, Inc.
Classification: Pathogenic for POLG-related disorder. Last evaluated: 2026-04-01. Review status: criteria provided, single submitter. Criteria: Myriad Autosomal Dominant, Autosomal Recessive and X-Linked Classification Criteria (2023). Collection method: clinical testing. Allele origin: unknown.
Comment: NM_002693.2(POLG):c.3540_3555dup16(D1186Qfs*6) is a frameshift variant classified as pathogenic in the context of POLG-related disorders. D1186Qfs*6 has not been observed in cases with relevant disease. Relevant functional assessments of this variant are not available in the literature. D1186Qfs*6 has not been observed in referenced population frequency databases. In summary, NM_002693.2(POLG):c.3540_3555dup16(D1186Qfs*6) is a frameshift variant in a gene where loss of function is a known mechanism of disease and is predicted to disrupt protein function. Please note: this variant was assessed in the context of healthy population screening.

NM_002693.3(POLG):c.3540_3555dup (p.Asp1186delinsGlnCysSerArgTyrTer)

Gene: POLG (DNA polymerase gamma, catalytic subunit; minus strand). Cytogenetic location: 15q26.1.
Variant type: Duplication.
Coding change: c.3540_3555dup on transcript NM_002693.3 (MANE Select); coding-DNA positions 3540 to 3555, 16 bases duplicated (CAGTGCAGTCGATATT).
Protein change: p.Asp1186delinsGlnCysSerArgTyrTer.
Molecular consequence: nonsense.
Genome position (GRCh38, 1-based): chr15:89,317,464-89,317,479, AATATCGACTGCACTG duplicated on the plus strand (CAGTGCAGTCGATATT on the coding strand, the reverse complement: POLG is on the minus strand); duplicating any 16 consecutive bases within chr15:89,317,464-89,317,481 gives the same sequence; the c. name uses the placement nearest the transcript's 3' end. VCF-style (leftmost placement, unchanged base first): chr15-89317463-C-CAATATCGACTGCACTG. GRCh37 (hg19) VCF-style: chr15-89860694-C-CAATATCGACTGCACTG.
Other names: c.3540_3555dup, p.Asp1186delinsGlnCysSerArgTyrTer (NM_001126131.2).
Identifiers: ClinVar variation 5004574 (VCV005004574.1).
Genomic context (GRCh38, chr15:89,317,463, plus strand): 5'-TCCCAGTTGGGTTGGAAGGGGTTTTACAATCCATGGTCACTTCCTTCCTGAGGCACCGGT[C>CAATATCGACTGCACTG]AATATCGACTGCACTGAAAAAGGCGACTGACTGGGGCAAGTCATTCAGACCCAGCTTGTA-3'